The following is an entry in ClinVar:

ClinVar aggregate classification (germline): Uncertain significance (1 of 4 stars; one submission).

Allele frequency attached by ClinVar (database versions not stated): gnomAD exomes below 0.00001.

Submission:

GeneDx
Classification: Uncertain significance. Last evaluated: 2025-05-16. Review status: criteria provided, single submitter. Criteria: GeneDx Variant Classification Process June 2021. Collection method: clinical testing. Allele origin: germline.
Comment: Nonsense variant predicted to result in protein truncation or nonsense mediated decay in a gene or region of a gene for which loss of function is not a well-established mechanism of disease; Not observed at significant frequency in large population cohorts (gnomAD); Has not been previously published as pathogenic or benign to our knowledge

NM_015425.6(POLR1A):c.1306C>T (p.Arg436Ter)

Gene: POLR1A (RNA polymerase I subunit A; minus strand). Cytogenetic location: 2p11.2.
Variant type: single nucleotide variant.
Coding change: c.1306C>T on transcript NM_015425.6 (MANE Select); coding-DNA position 1306, C replaced by T.
Protein change: p.Arg436Ter; replaces arginine 436 with a stop codon.
Molecular consequence: nonsense.
Genome position (GRCh38, 1-based): chr2:86,077,933, G>A on the plus strand (C>T on the coding strand, the complement: POLR1A is on the minus strand). VCF-style: chr2-86077933-G-A. GRCh37 (hg19) VCF-style: chr2-86305056-G-A.
Other names: short protein forms R436*.
Identifiers: ClinVar variation 2579813 (VCV002579813.2), dbSNP rs2466441203, ClinGen allele CA347551942.